The following is an entry in ClinVar:

ClinVar aggregate classification (germline): Conflicting classifications of pathogenicity. Review status: criteria provided, conflicting classifications (1 of 4 stars). 4 submissions from 4 submitters: Uncertain significance (1); Likely benign (3). Last evaluated 2026-04-10.

Conditions:
Hereditary cancer-predisposing syndrome. Also called: Hereditary Cancer Syndrome; Neoplastic Syndromes, Hereditary; Hereditary neoplastic syndrome; Tumor predisposition. Identifiers: Orphanet 140162, MedGen C0027672, MeSH D009386, MONDO:0015356.
DICER1-related tumor predisposition. Also called: DICER1-related pleuropulmonary blastoma cancer predisposition syndrome; DICER1 syndrome. Identifiers: Orphanet 284343, MedGen C3839822, MONDO:0100216.

Submissions (4):

Myriad Genetics, Inc.
Classification: Likely benign for DICER1-related tumor predisposition. Last evaluated: 2026-04-10. Review status: criteria provided, single submitter. Criteria: Myriad Autosomal Dominant, Autosomal Recessive and X-Linked Classification Criteria (2023). Collection method: clinical testing. Allele origin: unknown.
Comment: This variant is considered likely benign. This variant is intronic and is not expected to impact mRNA splicing.

Labcorp Genetics (formerly Invitae), Labcorp
Classification: Likely benign for DICER1-related tumor predisposition. Last evaluated: 2026-01-13. Review status: criteria provided, single submitter. Criteria: Invitae Variant Classification Sherloc (09022015). Collection method: clinical testing. Allele origin: germline.

Ambry Genetics
Classification: Likely benign for Hereditary cancer-predisposing syndrome. Last evaluated: 2023-06-27. Review status: criteria provided, single submitter. Criteria: Ambry Variant Classification Scheme 2023. Collection method: clinical testing. Allele origin: germline.

Sema4
Classification: Uncertain significance for Hereditary cancer-predisposing syndrome. Last evaluated: 2022-03-17. Review status: criteria provided, single submitter. Criteria: Sema4 Curation Guidelines. Collection method: curation. Allele origin: germline.
Comment: The DICER1 c.904-5delT variant has not been reported in the literature to our knowledge. It was observed in 2/33512 chromosomes of the Latino/Admixed American subpopulation, in the large and broad cohorts of the Genome Aggregation Database (PMID: 32461654). This variant has been reported in ClinVar (Variation ID 417058). In silico tools suggest that the variant does not impact splicing, though these predictions have not been confirmed by functional studies. There is no indication that this variant causes disease, but the evidence is insufficient currently to prove that conclusively. Thus, the clinical significance of this variant is currently uncertain.

NM_177438.3(DICER1):c.904-5del

Gene: DICER1 (dicer 1, ribonuclease III; minus strand). Cytogenetic location: 14q32.13.
Variant type: Deletion.
Coding change: c.904-5del on transcript NM_177438.3 (MANE Select); 5 bases into the intron before coding-DNA position 904, one base deleted (T; older notation c.904-5delT).
Molecular consequence: intron variant.
Genome position (GRCh38, 1-based): chr14:95,124,673, A deleted on the plus strand (T on the coding strand, the reverse complement: DICER1 is on the minus strand); the first of 8 consecutive A bases (chr14:95,124,673-95,124,680); deleting any one gives the same sequence. VCF-style (leftmost placement, unchanged base first): chr14-95124672-CA-C. GRCh37 (hg19) VCF-style: chr14-95591009-CA-C.
Other names: c.904-5delT (NM_177438.2); c.904-5del (NM_001291628.2, NM_030621.4, NM_001271282.3 and 1 more transcripts).
Identifiers: ClinVar variation 417058 (VCV000417058.15), dbSNP rs769549511, ClinGen allele CA7331547.